The following is an entry in ClinVar:

NM_020778.5(ALPK3):c.1930G>A (p.Gly644Arg)

Gene: ALPK3 (alpha kinase 3; plus strand). Cytogenetic location: 15q25.3.
Variant type: single nucleotide variant.
Coding change: c.1930G>A on transcript NM_020778.5 (MANE Select); coding-DNA position 1930, G replaced by A.
Protein change: p.Gly644Arg; replaces glycine 644 with arginine.
Molecular consequence: missense variant.
Genome position (GRCh38, 1-based): chr15:84,856,668, G>A. VCF-style: chr15-84856668-G-A. GRCh37 (hg19) VCF-style: chr15-85399899-G-A.
Other names: short protein forms G644R.
Identifiers: ClinVar variation 4810375 (VCV004810375.1).

ClinVar aggregate classification (germline): Uncertain significance (1 of 4 stars; one submission).

Submission:

Labcorp Genetics (formerly Invitae), Labcorp
Classification: Uncertain significance. Last evaluated: 2025-09-27. Review status: criteria provided, single submitter. Criteria: Invitae Variant Classification Sherloc (09022015). Collection method: clinical testing. Allele origin: germline.
Comment: This sequence change replaces glycine, which is neutral and non-polar, with arginine, which is basic and polar, at codon 846 of the ALPK3 protein (p.Gly846Arg). This variant is not present in population databases (gnomAD no frequency). This variant has not been reported in the literature in individuals affected with ALPK3-related conditions. Invitae Evidence Modeling of protein sequence and biophysical properties (such as structural, functional, and spatial information, amino acid conservation, physicochemical variation, residue mobility, and thermodynamic stability) indicates that this missense variant is not expected to disrupt ALPK3 protein function with a negative predictive value of 80%. In summary, the available evidence is currently insufficient to determine the role of this variant in disease. Therefore, it has been classified as a Variant of Uncertain Significance.